The following is an entry in ClinVar:

ClinVar aggregate classification (germline): Likely benign. Review status: criteria provided, single submitter (1 of 4 stars). 2 submissions from 2 submitters: Likely benign (1). 1 of the submissions does not count toward it. Last evaluated 2025-07-24.

Conditions:
CRKL-related disorder. Also called: CRKL-related condition.

Allele frequency attached by ClinVar (database versions not stated): gnomAD 0.00001; gnomAD exomes 0.00002; TOPMed 0.00002; ExAC 0.00003.
gnomAD v4.1: 27 of 1,614,042 alleles (0.0017%); highest among the groups gnomAD compares: South Asian, 0.0077%; no homozygotes.

Submissions (2):

Labcorp Genetics (formerly Invitae), Labcorp
Classification: Likely benign. Last evaluated: 2025-07-24. Review status: criteria provided, single submitter. Criteria: Invitae Variant Classification Sherloc (09022015). Collection method: clinical testing. Allele origin: germline.

PreventionGenetics, part of Exact Sciences
Classification: Likely benign for CRKL-related condition. Last evaluated: 2019-02-21. Review status: no assertion criteria provided. Collection method: clinical testing. Allele origin: germline. Not counted in ClinVar's aggregate classification.
Comment: This variant is classified as likely benign based on ACMG/AMP sequence variant interpretation guidelines (Richards et al. 2015 PMID: 25741868, with internal and published modifications).

NM_005207.4(CRKL):c.621C>T (p.Tyr207=)

Gene: CRKL (CRK like proto-oncogene, adaptor protein; plus strand). Cytogenetic location: 22q11.21.
Variant type: single nucleotide variant.
Coding change: c.621C>T on transcript NM_005207.4 (MANE Select); coding-DNA position 621, C replaced by T.
Protein change: p.Tyr207=; no amino-acid change (tyrosine 207 retained).
Molecular consequence: synonymous variant. On other transcripts: non-coding transcript variant (1).
Genome position (GRCh38, 1-based): chr22:20,934,088, C>T. VCF-style: chr22-20934088-C-T. GRCh37 (hg19) VCF-style: chr22-21288376-C-T.
Identifiers: ClinVar variation 3047831 (VCV003047831.3), dbSNP rs776452921, ClinGen allele CA10117377.